The following is an entry in ClinVar:

ClinVar aggregate classification (germline): Uncertain significance (1 of 4 stars; one submission).

Conditions:
PKD1-related disorder. Also called: PKD1-related condition.

Submission:

PreventionGenetics, part of Exact Sciences
Classification: Uncertain significance for PKD1-related condition. Last evaluated: 2026-02-16. Review status: criteria provided, single submitter. Criteria: ACMG Guidelines, 2015. Collection method: clinical testing. Allele origin: germline.
Comment: The PKD1 c.3403G>A variant is predicted to result in the amino acid substitution p.Asp1135Asn. To our knowledge, this variant has not been reported in the literature or in a large population database (gnomAD), indicating this variant is rare. At this time, the clinical significance of this variant is uncertain due to the absence of conclusive functional and genetic evidence.

NM_001009944.3(PKD1):c.3403G>A (p.Asp1135Asn)

Gene: PKD1 (polycystin 1, transient receptor potential channel interacting; minus strand). Cytogenetic location: 16p13.3.
Variant type: single nucleotide variant.
Coding change: c.3403G>A on transcript NM_001009944.3 (MANE Select); coding-DNA position 3403, G replaced by A.
Protein change: p.Asp1135Asn; replaces aspartic acid 1135 with asparagine.
Molecular consequence: missense variant.
Genome position (GRCh38, 1-based): chr16:2,111,764, C>T on the plus strand (G>A on the coding strand, the complement: PKD1 is on the minus strand). VCF-style: chr16-2111764-C-T. GRCh37 (hg19) VCF-style: chr16-2161765-C-T.
Other names: c.3403G>A, p.Asp1135Asn (NM_000296.4); short protein forms D1135N.
Identifiers: ClinVar variation 4993194 (VCV004993194.1).